The following is an entry in ClinVar:

NM_020461.4(TUBGCP6):c.5416T>C (p.Phe1806Leu)

Gene: TUBGCP6 (tubulin gamma complex component 6; minus strand). Cytogenetic location: 22q13.33.
Variant type: single nucleotide variant.
Coding change: c.5416T>C on transcript NM_020461.4 (MANE Select); coding-DNA position 5416, T replaced by C.
Protein change: p.Phe1806Leu; replaces phenylalanine 1806 with leucine.
Molecular consequence: missense variant.
Genome position (GRCh38, 1-based): chr22:50,217,780, A>G on the plus strand (T>C on the coding strand, the complement: TUBGCP6 is on the minus strand). VCF-style: chr22-50217780-A-G. GRCh37 (hg19) VCF-style: chr22-50656209-A-G.
Other names: short protein forms F1806L.
Identifiers: ClinVar variation 1418544 (VCV001418544.8), dbSNP rs2147170654, ClinGen allele CA412161407.
Genomic context (GRCh38, chr22:50,217,780, plus strand): 5'-CCCCCGCAGAGCAGCCTCAGGCGTCCTGGTAGTAGTTGTTGAAGTTGATGCGCAGCAGAA[A>G]GTCCTCCAGGTGGGGCTGGTAGCCGCGGTTCACCAGCTTGGTCACCACTGGGGACCAGCG-3'
Protein context (NP_065194.3, residues 1796-1816): NRGYQPHLED[Phe1806Leu]LLRINFNNYY

ClinVar aggregate classification (germline): Uncertain significance (1 of 4 stars; one submission).

Allele frequency attached by ClinVar (database versions not stated): gnomAD exomes below 0.00001.
gnomAD v4.1: 2 of 1,614,020 alleles (0.00012%); highest among the groups gnomAD compares: South Asian, 0.0011%; no homozygotes.

Submission:

Labcorp Genetics (formerly Invitae), Labcorp
Classification: Uncertain significance. Last evaluated: 2021-05-13. Review status: criteria provided, single submitter. Criteria: Invitae Variant Classification Sherloc (09022015). Collection method: clinical testing. Allele origin: germline.
Comment: Algorithms developed to predict the effect of missense changes on protein structure and function are either unavailable or do not agree on the potential impact of this missense change (SIFT: "Tolerated"; PolyPhen-2: "Possibly Damaging"; Align-GVGD: "Class C0"). This variant has not been reported in the literature in individuals with TUBGCP6-related conditions. This variant is not present in population databases (ExAC no frequency). This sequence change replaces phenylalanine with leucine at codon 1806 of the TUBGCP6 protein (p.Phe1806Leu). The phenylalanine residue is moderately conserved and there is a small physicochemical difference between phenylalanine and leucine. In summary, the available evidence is currently insufficient to determine the role of this variant in disease. Therefore, it has been classified as a Variant of Uncertain Significance.